The following is an entry in ClinVar:

NM_012062.5(DNM1L):c.1838T>C (p.Met613Thr)

Gene: DNM1L (dynamin 1 like; plus strand). Cytogenetic location: 12p11.21.
Variant type: single nucleotide variant.
Coding change: c.1838T>C on transcript NM_012062.5 (MANE Select); coding-DNA position 1838, T replaced by C.
Protein change: p.Met613Thr; replaces methionine 613 with threonine.
Molecular consequence: missense variant.
Genome position (GRCh38, 1-based): chr12:32,740,194, T>C. VCF-style: chr12-32740194-T-C. GRCh37 (hg19) VCF-style: chr12-32893128-T-C.
Other names: c.1805T>C, p.Met602Thr (NM_001278463.2); c.1877T>C, p.Met626Thr (NM_001278464.2); c.1844T>C, p.Met615Thr (NM_001278465.2); c.1229T>C, p.Met410Thr (NM_001278466.2); c.1766T>C, p.Met589Thr (NM_001330380.2); c.1727T>C, p.Met576Thr (NM_005690.5); c.1760T>C, p.Met587Thr (NM_012063.4); short protein forms M576T, M587T, M602T, M410T, M613T, M615T, M589T, M626T.
Identifiers: ClinVar variation 1368633 (VCV001368633.6), dbSNP rs760612084, ClinGen allele CA6507701.
Genomic context (GRCh38, chr12:32,740,194, plus strand): 5'-TGAAAACTTCAAAAGCTGAAGAGTTATTAGCAGAAGAAAAATCAAAACCCATTCCAATTA[T>C]GCCAGCCAGTCCACAAAAAGGTCATGCCGTGAACCTGCTAGATGTGGTAAGCCATGACAA-3'
Protein context (NP_036192.2, residues 603-623): AEEKSKPIPI[Met613Thr]PASPQKGHAV

ClinVar aggregate classification (germline): Uncertain significance. Review status: criteria provided, multiple submitters, no conflicts (2 of 4 stars). 2 submissions from 2 submitters: Uncertain significance (2). Last evaluated 2024-02-13.

Allele frequency attached by ClinVar (database versions not stated): ExAC 0.00002; TOPMed below 0.00001; gnomAD exomes 0.00001 and below 0.00001; gnomAD 0.00001.
gnomAD v4.1: 7 of 1,614,072 alleles (0.00043%); highest among the groups gnomAD compares: South Asian, 0.0044%; no homozygotes.

Submissions (2):

Revvity Omics, Revvity
Classification: Uncertain significance. Last evaluated: 2024-02-13. Review status: criteria provided, single submitter. Criteria: ACMG Guidelines, 2015. Collection method: clinical testing. Allele origin: germline.

Labcorp Genetics (formerly Invitae), Labcorp
Classification: Uncertain significance. Last evaluated: 2022-08-23. Review status: criteria provided, single submitter. Criteria: Invitae Variant Classification Sherloc (09022015). Collection method: clinical testing. Allele origin: germline.
Comment: This sequence change replaces methionine, which is neutral and non-polar, with threonine, which is neutral and polar, at codon 613 of the DNM1L protein (p.Met613Thr). The frequency data for this variant in the population databases is considered unreliable, as metrics indicate poor data quality at this position in the gnomAD database. This variant has not been reported in the literature in individuals affected with DNM1L-related conditions. ClinVar contains an entry for this variant (Variation ID: 1368633). Algorithms developed to predict the effect of missense changes on protein structure and function (SIFT, PolyPhen-2, Align-GVGD) all suggest that this variant is likely to be tolerated. In summary, the available evidence is currently insufficient to determine the role of this variant in disease. Therefore, it has been classified as a Variant of Uncertain Significance.